The following is an entry in ClinVar:

NM_000214.3(JAG1):c.3256G>A (p.Val1086Met)

Gene: JAG1 (jagged canonical Notch ligand 1; minus strand). Cytogenetic location: 20p12.2.
Variant type: single nucleotide variant.
Coding change: c.3256G>A on transcript NM_000214.3 (MANE Select); coding-DNA position 3256, G replaced by A.
Protein change: p.Val1086Met; replaces valine 1086 with methionine.
Molecular consequence: missense variant.
Genome position (GRCh38, 1-based): chr20:10,639,899, C>T on the plus strand (G>A on the coding strand, the complement: JAG1 is on the minus strand). VCF-style: chr20-10639899-C-T. GRCh37 (hg19) VCF-style: chr20-10620547-C-T.
Other names: short protein forms V1086M.
Identifiers: ClinVar variation 931055 (VCV000931055.3), dbSNP rs1334024757, ClinGen allele CA408243605.
Genomic context (GRCh38, chr20:10,639,899, plus strand): 5'-CTGAGTGTGTGTGGCTGCCCGGCTTCCGCCGCTTCCGCAGGCACCAGTAGAAGGCCGTCA[C>T]CAAGCAACAGATCCAAGCCACAGTTAAGACAGAGCTCAGCAAGGGAACAAGGAAATCTGT-3'
Protein context (NP_000205.1, residues 1076-1096): VLTVAWICCL[Val1086Met]TAFYWCLRKR

ClinVar aggregate classification (germline): Uncertain significance (1 of 4 stars; one submission).

Conditions:
Tetralogy of Fallot (TOF). Identifiers: Orphanet 3303, MedGen C0039685, MONDO:0008542, OMIM 187500, HP:0001636.

Allele frequency attached by ClinVar (database versions not stated): gnomAD exomes below 0.00001.
gnomAD v4.1: 1 of 1,614,188 alleles (0.000062%); highest among the groups gnomAD compares: South Asian, 0.0011%; no homozygotes.

Submission:

Centre for Mendelian Genomics, University Medical Centre Ljubljana
Classification: Uncertain significance for Tetralogy of Fallot. Last evaluated: 2019-05-10. Review status: criteria provided, single submitter. Criteria: ACMG Guidelines, 2015. Collection method: clinical testing. Allele origin: unknown. Affected: yes.
Comment: This variant was classified as: Uncertain significance. The available evidence on this variant's pathogenicity is insufficient or conflicting. The following ACMG criteria were applied in classifying this variant: PP3.